The following is an entry in ClinVar:

NM_018082.6(POLR3B):c.1416G>T (p.Gln472His)

Gene: POLR3B (RNA polymerase III subunit B; plus strand). Cytogenetic location: 12q23.3.
Variant type: single nucleotide variant.
Coding change: c.1416G>T on transcript NM_018082.6 (MANE Select); coding-DNA position 1416, G replaced by T.
Protein change: p.Gln472His; replaces glutamine 472 with histidine.
Molecular consequence: missense variant.
Genome position (GRCh38, 1-based): chr12:106,430,425, G>T. VCF-style: chr12-106430425-G-T. GRCh37 (hg19) VCF-style: chr12-106824203-G-T.
Other names: c.1242G>T, p.Gln414His (NM_001160708.2); short protein forms Q414H, Q472H.
Identifiers: ClinVar variation 1715688 (VCV001715688.5), dbSNP rs2542110562, ClinGen allele CA386389254.

ClinVar aggregate classification (germline): Uncertain significance (1 of 4 stars; one submission).

Submission:

Labcorp Genetics (formerly Invitae), Labcorp
Classification: Uncertain significance. Last evaluated: 2022-08-08. Review status: criteria provided, single submitter. Criteria: Invitae Variant Classification Sherloc (09022015). Collection method: clinical testing. Allele origin: germline.
Comment: In summary, the available evidence is currently insufficient to determine the role of this variant in disease. Therefore, it has been classified as a Variant of Uncertain Significance. Algorithms developed to predict the effect of missense changes on protein structure and function are either unavailable or do not agree on the potential impact of this missense change (SIFT: "Deleterious"; PolyPhen-2: "Benign"; Align-GVGD: "Class C15"). This variant has not been reported in the literature in individuals affected with POLR3B-related conditions. This variant is not present in population databases (gnomAD no frequency). This sequence change replaces glutamine, which is neutral and polar, with histidine, which is basic and polar, at codon 472 of the POLR3B protein (p.Gln472His).